The following is an entry in ClinVar:

Conditions:
Breast-ovarian cancer, familial, susceptibility to, 1 (BROVCA1). Also called: BRCA1 Hereditary Breast and Ovarian Cancer; OVARIAN CANCER, SUSCEPTIBILITY TO. Identifiers: Orphanet 145, MedGen C2676676, MONDO:0011450, OMIM 604370. Disease mechanism: loss of function.

Submission:

Brotman Baty Institute, University of Washington
No classification provided (evidence only). Condition: Breast-ovarian cancer, familial 1. Review status: no classification provided. Collection method: in vitro. Allele origin: not applicable. Functional consequence: function_uncertain_variant.
ClinVar note: "not provided" was previously submitted as the classification for the variant. However, the classification appeared to be based only on an observation of functional data so it was converted to no classification on 2025-07-30.

NM_007294.4(BRCA1):c.5224A>T (p.Asn1742Tyr)

Gene: BRCA1 (BRCA1 DNA repair associated; minus strand). Cytogenetic location: 17q21.31.
Variant type: single nucleotide variant.
Coding change: c.5224A>T on transcript NM_007294.4 (MANE Select); coding-DNA position 5224, A replaced by T.
Protein change: p.Asn1742Tyr; replaces asparagine 1742 with tyrosine.
Molecular consequence: missense variant. On other transcripts: non-coding transcript variant (1).
Genome position (GRCh38, 1-based): chr17:43,057,105, T>A on the plus strand (A>T on the coding strand, the complement: BRCA1 is on the minus strand). VCF-style: chr17-43057105-T-A. GRCh37 (hg19) VCF-style: chr17-41209122-T-A.
Other names: c.5287A>T, p.Asn1763Tyr (NM_007300.4, NM_001407583.1, NM_001407585.1 and 1 more transcripts); c.1912A>T, p.Asn638Tyr (NM_007304.2, NM_001407984.1, NM_001407985.1 and 13 more transcripts); c.5011A>T, p.Asn1671Tyr (NM_001407571.1, NM_001407900.1, NM_001407902.1 and 12 more transcripts); c.5290A>T, p.Asn1764Tyr (NM_001407581.1, NM_001407582.1); c.5221A>T, p.Asn1741Tyr (NM_001407610.1, NM_001407611.1, NM_001407612.1 and 17 more transcripts); c.5218A>T, p.Asn1740Tyr (NM_001407629.1, NM_001407630.1, NM_001407631.1 and 14 more transcripts); c.5164A>T, p.Asn1722Tyr (NM_001407649.1); c.5146A>T, p.Asn1716Tyr (NM_001407652.1, NM_001407653.1, NM_001407654.1 and 1 more transcripts); and 72 more; short protein forms N1763Y, N1695Y, N1742Y, N638Y, N1588Y, N1630Y, N1652Y, N1654Y.
Identifiers: ClinVar variation 868200 (VCV000868200.3), dbSNP rs1597810828, ClinGen allele CA10591095.
Genomic context (GRCh38, chr17:43,057,105, plus strand): 5'-GCTTTACCTTTCTGTCCTGGGATTCTCTTGCTCGCTTTGGACCTTGGTGGTTTCTTCCAT[T>A]GACCACATCTCCTCTGACTTCAAAATCATGCTGAAAGAAACCAAACACAACCCATCAGGA-3'
Protein context (NP_009225.1, residues 1732-1752): HDFEVRGDVV[Asn1742Tyr]GRNHQGPKRA